The following is an entry in ClinVar:

NM_006509.4(RELB):c.1527G>T (p.Pro509=)

Gene: RELB (RELB proto-oncogene, NF-kB subunit; plus strand). Cytogenetic location: 19q13.32.
Variant type: single nucleotide variant.
Coding change: c.1527G>T on transcript NM_006509.4 (MANE Select); coding-DNA position 1527, G replaced by T.
Protein change: p.Pro509=; no amino-acid change (proline 509 retained).
Molecular consequence: synonymous variant.
Genome position (GRCh38, 1-based): chr19:45,037,577, G>T. VCF-style: chr19-45037577-G-T. GRCh37 (hg19) VCF-style: chr19-45540835-G-T.
Other names: c.1518G>T, p.Pro506= (NM_001411087.1).
Identifiers: ClinVar variation 4821786 (VCV004821786.4).
Genomic context (GRCh38, chr19:45,037,577, plus strand): 5'-TGCCTACGACCCTACGGCCCCCACACTCTTCACCATGCTGGACCTGCTGCCCCCGGCACC[G>T]CCACACGCTAGCGCTGTTGTGTGCAGCGGAGGTGCCGGGGCCGTGGTTGGGGAGACCCCC-3'
Protein context (NP_006500.2, residues 499-519): FTMLDLLPPA[Pro509=]PHASAVVCSG

ClinVar aggregate classification (germline): Likely benign (1 of 4 stars; one submission).

Submission:

CeGaT Center for Human Genetics Tuebingen
Classification: Likely benign. Last evaluated: 2026-04-01. Review status: criteria provided, single submitter. Criteria: CeGaT Center For Human Genetics Tuebingen Variant Classification Criteria Version 2. Collection method: clinical testing. Allele origin: germline. Affected: yes. Observed: 1 variant allele.
Comment: RELB: PM2:Supporting, BP4, BP7